The following is an entry in ClinVar:

NM_030632.3(ASXL3):c.1220_1226dup (p.Ser410fs)

Gene: ASXL3 (ASXL transcriptional regulator 3; plus strand). Cytogenetic location: 18q12.1.
Variant type: Duplication.
Coding change: c.1220_1226dup on transcript NM_030632.3 (MANE Select); coding-DNA positions 1220 to 1226, 7 bases duplicated (GCATGAA; older notation c.1220_1226dupGCATGAA).
Protein change: p.Ser410fs; shifts the reading frame from serine 410.
Molecular consequence: frameshift variant.
Genome position (GRCh38, 1-based): chr18:33,738,624-33,738,630, GCATGAA duplicated; duplicating any 7 consecutive bases within chr18:33,738,622-33,738,630 gives the same sequence; the c. name uses the placement nearest the transcript's 3' end. VCF-style (leftmost placement, unchanged base first): chr18-33738621-A-AAAGCATG. GRCh37 (hg19) VCF-style: chr18-31318585-A-AAAGCATG.
Other names: short protein forms S410fs.
Identifiers: ClinVar variation 3024543 (VCV003024543.2), dbSNP rs2510915938, ClinGen allele CA2740091789.

ClinVar aggregate classification (germline): Likely pathogenic (1 of 4 stars; one submission).

Conditions:
Bainbridge-Ropers syndrome. Also called: Severe feeding difficulties-failure to thrive-microcephaly due to ASXL3 deficiency syndrome. Identifiers: Orphanet 352577, MedGen C4750837, MONDO:0014205, OMIM 615485.

Submission:

Institute of Human Genetics, University of Leipzig Medical Center
Classification: Likely pathogenic for Bainbridge-Ropers syndrome. Last evaluated: 2024-02-28. Review status: criteria provided, single submitter. Criteria: ACMG Guidelines, 2015. Collection method: clinical testing. Allele origin: unknown. Inheritance: Autosomal dominant inheritance. Affected: yes.
Comment: Criteria applied: PVS1,PM2_SUP